The following is an entry in ClinVar:

ClinVar aggregate classification (germline): Conflicting classifications of pathogenicity. Review status: criteria provided, conflicting classifications (1 of 4 stars). 12 submissions from 12 submitters: Uncertain significance (1); Benign (2); Likely benign (8). 1 of the submissions does not count toward it. Last evaluated 2026-01-09.

Conditions:
Breast and/or ovarian cancer. Identifiers: MedGen CN221562.
Hereditary cancer-predisposing syndrome. Also called: Hereditary Cancer Syndrome; Tumor predisposition; Neoplastic Syndromes, Hereditary; Hereditary neoplastic syndrome. Identifiers: Orphanet 140162, MedGen C0027672, MeSH D009386, MONDO:0015356.
Familial cancer of breast. Also called: hereditary breast carcinoma; BREAST CANCER, FAMILIAL; Hereditary breast cancer. Identifiers: Orphanet 227535, MedGen C0346153, MONDO:0016419, OMIM 114480. Disease mechanism: loss of function.
Ataxia-telangiectasia syndrome (AT). Also called: ATAXIA-TELANGIECTASIA, COMPLEMENTATION GROUP A; ATAXIA-TELANGIECTASIA, FRESNO VARIANT; Ataxia-telangiectasia; Ataxia-telangiectasia, complementation group E; Cerebello-oculocutaneous telangiectasia; Immunodeficiency with ataxia telangiectasia. Identifiers: Orphanet 100, MedGen C0004135, MONDO:0008840, OMIM 208900.
Malignant tumor of breast. Also called: Malignant breast neoplasm; Cancer breast. Identifiers: MedGen C0006142, MONDO:0007254. Disease mechanism: loss of function.

Allele frequency attached by ClinVar (database versions not stated): TOPMed 0.00002; ExAC 0.00002; gnomAD exomes 0.00004.
gnomAD v4.1: 28 of 1,613,976 alleles (0.0017%); highest among the groups gnomAD compares: Middle Eastern, 0.016%; no homozygotes.

Submissions (12):

Labcorp Genetics (formerly Invitae), Labcorp
Classification: Likely benign for Ataxia-telangiectasia syndrome. Last evaluated: 2026-01-09. Review status: criteria provided, single submitter. Criteria: Invitae Variant Classification Sherloc (09022015). Collection method: clinical testing. Allele origin: germline.

Center for Genomic Medicine, Rigshospitalet, Copenhagen University Hospital
Classification: Likely benign. Last evaluated: 2025-03-04. Review status: criteria provided, single submitter. Criteria: ACMG Guidelines, 2015. Collection method: clinical testing. Allele origin: germline.

Blueprint Genetics
Classification: Likely benign. Last evaluated: 2024-09-10. Review status: criteria provided, single submitter. Criteria: ACMG Guidelines, 2015. Collection method: clinical testing. Allele origin: germline.

Myriad Genetics, Inc.
Classification: Benign for Familial cancer of breast. Last evaluated: 2024-06-03. Review status: criteria provided, single submitter. Criteria: Myriad Autosomal Dominant, Autosomal Recessive and X-Linked Classification Criteria (2023). Collection method: clinical testing. Allele origin: unknown.
Comment: This variant is considered benign. This variant is a silent/synonymous amino acid change and it is not expected to impact splicing.

CeGaT Center for Human Genetics Tuebingen
Classification: Uncertain significance. Last evaluated: 2024-04-01. Review status: criteria provided, single submitter. Criteria: CeGaT Center For Human Genetics Tuebingen Variant Classification Criteria Version 2. Collection method: clinical testing. Allele origin: germline. Affected: yes. Observed: 1 variant allele.
Comment: ATM: PM2:Supporting, BP4

Ambry Genetics
Classification: Likely benign for Hereditary cancer-predisposing syndrome. Last evaluated: 2024-02-21. Review status: criteria provided, single submitter. Criteria: Ambry Variant Classification Scheme 2023. Collection method: clinical testing. Allele origin: germline.

Genetic Services Laboratory, University of Chicago
Classification: Likely benign. Last evaluated: 2021-06-15. Review status: criteria provided, single submitter. Criteria: ACMG Guidelines, 2015. Collection method: clinical testing. Allele origin: germline. Affected: no.

CHEO Genetics Diagnostic Laboratory, Children's Hospital of Eastern Ontario
Classification: Likely benign for Breast and/or ovarian cancer. Last evaluated: 2021-04-28. Review status: criteria provided, single submitter. Criteria: ACMG Guidelines, 2015. Collection method: clinical testing. Allele origin: germline.

Sema4
Classification: Likely benign for Hereditary cancer-predisposing syndrome. Last evaluated: 2020-07-21. Review status: criteria provided, single submitter. Criteria: Sema4 Curation Guidelines. Collection method: curation. Allele origin: germline.

Color Diagnostics, LLC DBA Color Health
Classification: Likely benign for Hereditary cancer-predisposing syndrome. Last evaluated: 2017-10-06. Review status: criteria provided, single submitter. Criteria: ACMG Guidelines, 2015. Collection method: clinical testing. Allele origin: germline.

GeneDx
Classification: Benign. Last evaluated: 2015-05-18. Review status: criteria provided, single submitter. Criteria: GeneDx Variant Classification (06012015). Collection method: clinical testing. Allele origin: germline. Affected: yes.
Comment: This variant is considered likely benign or benign based on one or more of the following criteria: it is a conservative change, it occurs at a poorly conserved position in the protein, it is predicted to be benign by multiple in silico algorithms, and/or has population frequency not consistent with disease.

Department of Pathology and Laboratory Medicine, Sinai Health System
Classification: Likely benign for Malignant tumor of breast. Review status: no assertion criteria provided. Collection method: clinical testing. Allele origin: unknown. Affected: yes. Observed: 1 variant allele. Study: The Canadian Open Genetics Repository (COGR). Not counted in ClinVar's aggregate classification.
Comment: The ATM p.His2038= variant was identified in the literature, although this variant was not reported to be identified in an affected population and was identified in 2 of 22482 control chromosomes (frequency: 0.00009) from healthy individuals (Momozawa 2018). The variant was also identified in dbSNP (ID: rs774993357) as "With Likely benign, Uncertain significance allele", ClinVar (classified as benign by GeneDx; and as likely benign by Invitae, Ambry Genetics and Color), and LOVD 3.0 (1x as benign). The variant was identified in control databases in 9 of 246170 chromosomes at a frequency of 0.00004 (Genome Aggregation Database Feb 27, 2017). The variant was observed in the following populations: Other in 1 of 5480 chromosomes (freq: 0.0002), European in 6 of 111670 chromosomes (freq: 0.00005), and South Asian in 2 of 30780 chromosomes (freq: 0.00007), while the variant was not observed in the African, Latino, Ashkenazi Jewish, East Asian, or Finnish populations. The p.His2038= variant is not expected to have clinical significance because it does not result in a change of amino acid and is not located in a known consensus splice site. In addition, in silico or computational prediction software programs (SpliceSiteFinder, MaxEntScan, NNSPLICE, GeneSplicer) do not predict a difference in splicing. In summary, based on the above information, the clinical significance of this variant cannot be determined with certainty at this time although we would lean towards a more benign role for this variant. This variant is classified as likely benign.

Literature cited by the submitters: PubMed 12810666 (cited by Sema4); PubMed 10980530 (cited by Sema4).

NM_000051.4(ATM):c.6114C>T (p.His2038=)

Genes: C11orf65 (chromosome 11 open reading frame 65; minus strand), ATM (ATM serine/threonine kinase; plus strand). Cytogenetic location: 11q22.3.
Variant type: single nucleotide variant.
Coding change: c.6114C>T on transcript NM_000051.4 (MANE Select); coding-DNA position 6114, C replaced by T.
Protein change: p.His2038=; no amino-acid change (histidine 2038 retained).
Molecular consequence: synonymous variant. On other transcripts: intron variant (2).
Genome position (GRCh38, 1-based): chr11:108,316,029, C>T. VCF-style: chr11-108316029-C-T. GRCh37 (hg19) VCF-style: chr11-108186756-C-T.
Other names: c.6114C>T, p.His2038= (NM_001351834.2); c.641-6958G>A (NM_001330368.2); c.*39-6958G>A (NM_001351110.2).
Identifiers: ClinVar variation 187634 (VCV000187634.46), dbSNP rs774993357, ClinGen allele CA198154.